The following is an entry in ClinVar:

ClinVar aggregate classification (germline): Uncertain significance (1 of 4 stars; one submission).

Conditions:
Cardiovascular phenotype. Identifiers: MedGen CN230736.

gnomAD v4.1: 4 of 1,614,114 alleles (0.00025%); highest among the groups gnomAD compares: East Asian, 0.0022%; no homozygotes.

Submission:

Ambry Genetics
Classification: Uncertain significance for Cardiovascular phenotype. Last evaluated: 2024-08-13. Review status: criteria provided, single submitter. Criteria: Ambry Variant Classification Scheme 2023. Collection method: clinical testing. Allele origin: germline.
Comment: The p.P827L variant (also known as c.2480C>T), located in coding exon 40 of the COL1A2 gene, results from a C to T substitution at nucleotide position 2480. The proline at codon 827 is replaced by leucine, an amino acid with similar properties. This amino acid position is highly conserved in available vertebrate species. In addition, this alteration is predicted to be deleterious by in silico analysis. Based on the available evidence, the clinical significance of this variant remains unclear.

NM_000089.4(COL1A2):c.2480C>T (p.Pro827Leu)

Gene: COL1A2 (collagen type I alpha 2 chain; plus strand). Cytogenetic location: 7q21.3.
Variant type: single nucleotide variant.
Coding change: c.2480C>T on transcript NM_000089.4 (MANE Select); coding-DNA position 2480, C replaced by T.
Protein change: p.Pro827Leu; replaces proline 827 with leucine.
Molecular consequence: missense variant.
Genome position (GRCh38, 1-based): chr7:94,423,033, C>T. VCF-style: chr7-94423033-C-T. GRCh37 (hg19) VCF-style: chr7-94052345-C-T.
Other names: short protein forms P827L.
Identifiers: ClinVar variation 3495242 (VCV003495242.1).